The following is an entry in ClinVar:

ClinVar aggregate classification (germline): Pathogenic (1 of 4 stars; one submission).

Conditions:
Ornithine aminotransferase deficiency (GACR). Also called: HYPERORNITHINEMIA WITH GYRATE ATROPHY OF CHOROID AND RETINA; OAT DEFICIENCY; OKT DEFICIENCY; Ornithine ketoacid aminotransferase deficiency; Gyrate atrophy; Gyrate atrophy of choroid and retina. Identifiers: Orphanet 414, MedGen C0018425, MONDO:0009796, OMIM 258870.

gnomAD v4.1: 3 of 1,592,626 alleles (0.00019%); highest among the groups gnomAD compares: Non-Finnish European, 0.00017%; no homozygotes.

Submission:

Labcorp Genetics (formerly Invitae), Labcorp
Classification: Pathogenic for Ornithine aminotransferase deficiency. Last evaluated: 2023-11-06. Review status: criteria provided, single submitter. Criteria: Invitae Variant Classification Sherloc (09022015). Collection method: clinical testing. Allele origin: germline.
Comment: This sequence change affects a donor splice site in intron 9 of the OAT gene. While this variant is not anticipated to result in nonsense mediated decay, it likely alters RNA splicing and results in a disrupted protein product. This variant is not present in population databases (gnomAD no frequency). This variant has not been reported in the literature in individuals affected with OAT-related conditions. ClinVar contains an entry for this variant (Variation ID: 1376471). Variants that disrupt the consensus splice site are a relatively common cause of aberrant splicing (PMID: 17576681, 9536098). Algorithms developed to predict the effect of sequence changes on RNA splicing suggest that this variant may disrupt the consensus splice site. This variant disrupts a region of the OAT protein in which other variant(s) (p.Arg426*) have been determined to be pathogenic (PMID: 1609808, 23076989, 24429551). This suggests that this is a clinically significant region of the protein, and that variants that disrupt it are likely to be disease-causing. For these reasons, this variant has been classified as Pathogenic.

Literature cited by the submitters: PubMed 17576681; PubMed 9536098; PubMed 1609808; PubMed 23076989; PubMed 24429551.

NM_000274.4(OAT):c.1159+1G>A

Gene: OAT (ornithine aminotransferase; minus strand). Cytogenetic location: 10q26.13.
Variant type: single nucleotide variant.
Coding change: c.1159+1G>A on transcript NM_000274.4 (MANE Select); the canonical splice donor site of the intron after coding-DNA position 1159, G replaced by A.
Molecular consequence: splice donor variant.
Genome position (GRCh38, 1-based): chr10:124,400,839, C>T on the plus strand (G>A on the coding strand, the complement: OAT is on the minus strand). VCF-style: chr10-124400839-C-T. GRCh37 (hg19) VCF-style: chr10-126089408-C-T.
Other names: c.1159+1G>A (NM_001322965.2, NM_001322969.2, NM_001322966.2 and 3 more transcripts); c.745+1G>A (NM_001171814.2); c.559+1G>A (NM_001322974.2); c.838+1G>A (NM_001322971.2).
Identifiers: ClinVar variation 1376471 (VCV001376471.8), dbSNP rs2134450136, ClinGen allele CA378633495.